The following is an entry in ClinVar:

ClinVar aggregate classification (germline): Uncertain significance. Review status: criteria provided, multiple submitters, no conflicts (2 of 4 stars). 5 submissions from 5 submitters: Uncertain significance (4). 1 of the submissions does not count toward it. Last evaluated 2025-01-10.

Conditions:
Neonatal-onset encephalopathy with rigidity and seizures. Also called: Lethal neonatal spasticity-epileptic encephalopathy syndrome. Identifiers: Orphanet 435845, MedGen C3281029, MONDO:0013784, OMIM 614498.
Inborn genetic diseases. Identifiers: MedGen C0950123, MeSH D030342.
EBV-positive nodal T- and NK-cell lymphoma.

Allele frequency attached by ClinVar (database versions not stated): ESP Exome Variant Server 0.00023; ExAC 0.00003; gnomAD 0.00003 and 0.00004; gnomAD exomes 0.00004; TOPMed 0.00006.
gnomAD v4.1: 66 of 1,611,290 alleles (0.0041%); highest among the groups gnomAD compares: Non-Finnish European, 0.0052%; no homozygotes.

Submissions (5):

GeneDx
Classification: Uncertain significance. Last evaluated: 2025-01-10. Review status: criteria provided, single submitter. Criteria: GeneDx Variant Classification Process June 2021. Collection method: clinical testing. Allele origin: germline. Affected: yes.
Comment: Not observed at significant frequency in large population cohorts (gnomAD); In silico analysis indicates that this missense variant does not alter protein structure/function; Has not been previously published as pathogenic or benign to our knowledge

Ambry Genetics
Classification: Uncertain significance for Inborn genetic diseases. Last evaluated: 2024-06-25. Review status: criteria provided, single submitter. Criteria: Ambry Variant Classification Scheme 2023. Collection method: clinical testing. Allele origin: germline.

Labcorp Genetics (formerly Invitae), Labcorp
Classification: Uncertain significance for Neonatal-onset encephalopathy with rigidity and seizures. Last evaluated: 2022-10-25. Review status: criteria provided, single submitter. Criteria: Invitae Variant Classification Sherloc (09022015). Collection method: clinical testing. Allele origin: germline.
Comment: This sequence change replaces alanine, which is neutral and non-polar, with threonine, which is neutral and polar, at codon 568 of the BRAT1 protein (p.Ala568Thr). This variant is present in population databases (rs141709461, gnomAD 0.005%). This variant has not been reported in the literature in individuals affected with BRAT1-related conditions. ClinVar contains an entry for this variant (Variation ID: 573632). Advanced modeling of protein sequence and biophysical properties (such as structural, functional, and spatial information, amino acid conservation, physicochemical variation, residue mobility, and thermodynamic stability) performed at Invitae indicates that this missense variant is not expected to disrupt BRAT1 protein function. In summary, the available evidence is currently insufficient to determine the role of this variant in disease. Therefore, it has been classified as a Variant of Uncertain Significance.

Athena Diagnostics
Classification: Uncertain significance. Last evaluated: 2020-07-24. Review status: criteria provided, single submitter. Criteria: Athena Diagnostics Criteria. Collection method: clinical testing. Allele origin: unknown.

Department of Clinical Pathology, School of Medicine, Fujita Health University
Classification: Likely benign for EBV-positive nodal T- and NK-cell lymphoma. Review status: no assertion criteria provided. Collection method: research. Allele origin: unknown. Affected: yes. Not counted in ClinVar's aggregate classification.

NM_152743.4(BRAT1):c.1702G>A (p.Ala568Thr)

Gene: BRAT1 (BRCA1 associated ATM activator 1; minus strand). Cytogenetic location: 7p22.3.
Variant type: single nucleotide variant.
Coding change: c.1702G>A on transcript NM_152743.4 (MANE Select); coding-DNA position 1702, G replaced by A.
Protein change: p.Ala568Thr; replaces alanine 568 with threonine.
Molecular consequence: missense variant. On other transcripts: non-coding transcript variant (1).
Genome position (GRCh38, 1-based): chr7:2,539,247, C>T on the plus strand (G>A on the coding strand, the complement: BRAT1 is on the minus strand). VCF-style: chr7-2539247-C-T. GRCh37 (hg19) VCF-style: chr7-2578881-C-T.
Other names: c.1702G>A, p.Ala568Thr (NM_001350626.2); c.1177G>A, p.Ala393Thr (NM_001350627.2); short protein forms A568T, A393T.
Identifiers: ClinVar variation 573632 (VCV000573632.11), dbSNP rs141709461, ClinGen allele CA4127622.